The following is an entry in ClinVar:

ClinVar aggregate classification (germline): Likely benign (0 of 4 stars; one submission).

Conditions:
SPNS2-related disorder. Also called: SPNS2-related condition.

Allele frequency attached by ClinVar (database versions not stated): gnomAD 0.00087; ESP Exome Variant Server 0.00117; 1000 Genomes Project 30x 0.00125; 1000 Genomes Project 0.00160.

Submission:

PreventionGenetics, part of Exact Sciences
Classification: Likely benign for SPNS2-related condition. Last evaluated: 2019-11-06. Review status: no assertion criteria provided. Collection method: clinical testing. Allele origin: germline.
Comment: This variant is classified as likely benign based on ACMG/AMP sequence variant interpretation guidelines (Richards et al. 2015 PMID: 25741868, with internal and published modifications).

NM_001124758.3(SPNS2):c.1368C>T (p.Arg456=)

Gene: SPNS2 (SPNS lysolipid transporter 2, sphingosine-1-phosphate; plus strand). Cytogenetic location: 17p13.2.
Variant type: single nucleotide variant.
Coding change: c.1368C>T on transcript NM_001124758.3 (MANE Select); coding-DNA position 1368, C replaced by T.
Protein change: p.Arg456=; no amino-acid change (arginine 456 retained).
Molecular consequence: synonymous variant.
Genome position (GRCh38, 1-based): chr17:4,536,099, C>T. VCF-style: chr17-4536099-C-T. GRCh37 (hg19) VCF-style: chr17-4439394-C-T.
Identifiers: ClinVar variation 3046068 (VCV003046068.2), dbSNP rs147487048, ClinGen allele CA8303352.
Genomic context (GRCh38, chr17:4,536,099, plus strand): 5'-TCTCCTCTGGCCGCTGACCTGCCCGCCTGTTCCGCAGTACGTGGTCATCCCCACGCGGCG[C>T]GCCACTGCCGTGGCCTTGCAGAGCTTCACCTCCCACCTGCTGGGGGACGCCGGGAGCCCC-3'
Protein context (NP_001118230.1, residues 446-466): ILMYVVIPTR[Arg456=]ATAVALQSFT